The following is an entry in ClinVar:

ClinVar aggregate classification (germline): Likely benign (0 of 4 stars; one submission).

Conditions:
LAMA2-related disorder. Also called: LAMA2-related disorders; LAMA2-related condition.

Allele frequency attached by ClinVar (database versions not stated): ExAC 0.00002.
gnomAD v4.1: 38 of 1,573,440 alleles (0.0024%); highest among the groups gnomAD compares: East Asian, 0.0045%; no homozygotes.

Submission:

PreventionGenetics, part of Exact Sciences
Classification: Likely benign for LAMA2-related condition. Last evaluated: 2019-11-26. Review status: no assertion criteria provided. Collection method: clinical testing. Allele origin: germline.
Comment: This variant is classified as likely benign based on ACMG/AMP sequence variant interpretation guidelines (Richards et al. 2015 PMID: 25741868, with internal and published modifications).

NM_000426.4(LAMA2):c.2857-47G>A

Gene: LAMA2 (laminin subunit alpha 2; plus strand). Cytogenetic location: 6q22.33.
Variant type: single nucleotide variant.
Coding change: c.2857-47G>A on transcript NM_000426.4 (MANE Select); 47 bases into the intron before coding-DNA position 2857, G replaced by A.
Molecular consequence: intron variant.
Genome position (GRCh38, 1-based): chr6:129,297,638, G>A. VCF-style: chr6-129297638-G-A. GRCh37 (hg19) VCF-style: chr6-129618783-G-A.
Other names: c.2857-47G>A (NM_001079823.2).
Identifiers: ClinVar variation 3048306 (VCV003048306.2), dbSNP rs762916346, ClinGen allele CA3993087.